The following is an entry in ClinVar:

NM_005618.4(DLL1):c.76G>A (p.Glu26Lys)

Gene: DLL1 (delta like canonical Notch ligand 1; minus strand). Cytogenetic location: 6q27.
Variant type: single nucleotide variant.
Coding change: c.76G>A on transcript NM_005618.4 (MANE Select); coding-DNA position 76, G replaced by A.
Protein change: p.Glu26Lys; replaces glutamic acid 26 with lysine.
Molecular consequence: missense variant.
Genome position (GRCh38, 1-based): chr6:170,289,787, C>T on the plus strand (G>A on the coding strand, the complement: DLL1 is on the minus strand). VCF-style: chr6-170289787-C-T. GRCh37 (hg19) VCF-style: chr6-170598875-C-T.
Other names: short protein forms E26K.
Identifiers: ClinVar variation 3236650 (VCV003236650.1), dbSNP rs2114966765, ClinGen allele CA366510394.

ClinVar aggregate classification (germline): Likely pathogenic (1 of 4 stars; one submission).

Conditions:
Neurodevelopmental disorder with nonspecific brain abnormalities and with or without seizures. Identifiers: MedGen C5231470, MONDO:0032877, OMIM 618709.

Submission:

Clinical Genomics Laboratory, Washington University in St. Louis
Classification: Likely pathogenic for Neurodevelopmental disorder with nonspecific brain abnormalities and with or without seizures. Last evaluated: 2024-04-23. Review status: criteria provided, single submitter. Criteria: ACMG Guidelines, 2015. Collection method: clinical testing. Allele origin: germline. Affected: yes.
Comment: The DLL1 c.76G>A (p.Glu26Lys) variant, to our knowledge, has not been reported in the medical literature nor in the ClinVar database. This variant is absent from the general population (gnomAD v.2.1.1), indicating it is not a common variant. Computational predictors indicate that the variant is damaging, evidence that correlates with impact to DLL1 function. Based on available information and the ACMG/AMP guidelines for variant interpretation (Richards S et al., PMID: 25741868), this variant is classified as likely pathogenic.